The following is an entry in ClinVar:

ClinVar aggregate classification (germline): Conflicting classifications of pathogenicity. Review status: criteria provided, conflicting classifications (1 of 4 stars). 3 submissions from 3 submitters: Uncertain significance (2); Likely benign (1). Last evaluated 2024-11-08.

Conditions:
Inborn genetic diseases. Identifiers: MedGen C0950123, MeSH D030342.

Allele frequency attached by ClinVar (database versions not stated): gnomAD exomes 0.00008; ExAC 0.00010; TOPMed 0.00017; gnomAD 0.00023.
gnomAD v4.1: 158 of 1,614,200 alleles (0.0098%); highest among the groups gnomAD compares: East Asian, 0.053%; 4 homozygotes.

Submissions (3):

Blueprint Genetics
Classification: Likely benign. Last evaluated: 2024-11-08. Review status: criteria provided, single submitter. Criteria: ACMG Guidelines, 2015. Collection method: clinical testing. Allele origin: germline.

Ambry Genetics
Classification: Uncertain significance for Inborn genetic diseases. Last evaluated: 2023-12-21. Review status: criteria provided, single submitter. Criteria: Ambry Variant Classification Scheme 2023. Collection method: clinical testing. Allele origin: germline.

GeneDx
Classification: Uncertain significance. Last evaluated: 2022-02-10. Review status: criteria provided, single submitter. Criteria: GeneDx Variant Classification Process June 2021. Collection method: clinical testing. Allele origin: germline. Affected: yes.
Comment: In silico analysis supports that this missense variant does not alter protein structure/function; Has not been previously published as pathogenic or benign to our knowledge

NM_015114.3(ANKLE2):c.1400G>A (p.Arg467Gln)

Gene: ANKLE2 (ankyrin repeat and LEM domain containing 2; minus strand). Cytogenetic location: 12q24.33.
Variant type: single nucleotide variant.
Coding change: c.1400G>A on transcript NM_015114.3 (MANE Select); coding-DNA position 1400, G replaced by A.
Protein change: p.Arg467Gln; replaces arginine 467 with glutamine.
Molecular consequence: missense variant.
Genome position (GRCh38, 1-based): chr12:132,741,439, C>T on the plus strand (G>A on the coding strand, the complement: ANKLE2 is on the minus strand). VCF-style: chr12-132741439-C-T. GRCh37 (hg19) VCF-style: chr12-133318025-C-T.
Other names: c.1400G>A (NM_015114.1); short protein forms R467Q.
Identifiers: ClinVar variation 1700998 (VCV001700998.4), dbSNP rs372052772, ClinGen allele CA6895639.
Genomic context (GRCh38, chr12:132,741,439, plus strand): 5'-GCGTGGACCCCACGATCCAGGCACCAACTCCCCATCTTACCCTTTAAATACTCTCTGATC[C>T]GCTCCTTCAGTTCCACAGATTTATTTTTGCTTCTTTCACAAATTACCTATTGGAAAAAAA-3'
Protein context (NP_055929.1, residues 457-477): SKNKSVELKE[Arg467Gln]IREYLKGHYY